The following is an entry in ClinVar:

ClinVar aggregate classification (germline): Likely benign. Review status: criteria provided, multiple submitters, no conflicts (2 of 4 stars). 2 submissions from 2 submitters: Likely benign (2). Last evaluated 2025-11-03.

Allele frequency attached by ClinVar (database versions not stated): gnomAD 0.00001 and 0.00002; TOPMed 0.00003.

Submissions (2):

Labcorp Genetics (formerly Invitae), Labcorp
Classification: Likely benign. Last evaluated: 2025-11-03. Review status: criteria provided, single submitter. Criteria: Invitae Variant Classification Sherloc (09022015). Collection method: clinical testing. Allele origin: germline.

Mayo Clinic Laboratories, Mayo Clinic
Classification: Likely benign. Last evaluated: 2025-10-24. Review status: criteria provided, single submitter. Criteria: ACMG Guidelines, 2015. Collection method: clinical testing. Allele origin: germline. Observed: 1 variant allele.
Comment: BP4, BP7

NM_172369.5(C1QC):c.615C>A (p.Gly205=)

Gene: C1QC (complement C1q C chain; plus strand). Cytogenetic location: 1p36.12.
Variant type: single nucleotide variant.
Coding change: c.615C>A on transcript NM_172369.5 (MANE Select); coding-DNA position 615, C replaced by A.
Protein change: p.Gly205=; no amino-acid change (glycine 205 retained).
Molecular consequence: synonymous variant.
Genome position (GRCh38, 1-based): chr1:22,647,660, C>A. VCF-style: chr1-22647660-C-A. GRCh37 (hg19) VCF-style: chr1-22974153-C-A.
Other names: p.Gly205=; c.615C>A, p.Gly205= (NM_001114101.3, NM_001347619.2); c.348C>A, p.Gly116= (NM_001347620.2).
Identifiers: ClinVar variation 1624118 (VCV001624118.9), dbSNP rs773718895, ClinGen allele CA19179088.